The following is an entry in ClinVar:

ClinVar aggregate classification (germline): Likely benign (0 of 4 stars; one submission).

Conditions:
CDK5RAP2-related disorder. Also called: CDK5RAP2-related condition.

Allele frequency attached by ClinVar (database versions not stated): TOPMed below 0.00001; gnomAD 0.00001; gnomAD exomes 0.00002; ExAC 0.00005.
gnomAD v4.1: 25 of 1,613,654 alleles (0.0015%); highest among the groups gnomAD compares: South Asian, 0.027%; 1 homozygote.

Submission:

PreventionGenetics, part of Exact Sciences
Classification: Likely benign for CDK5RAP2-related condition. Last evaluated: 2021-01-05. Review status: no assertion criteria provided. Collection method: clinical testing. Allele origin: germline.
Comment: This variant is classified as likely benign based on ACMG/AMP sequence variant interpretation guidelines (Richards et al. 2015 PMID: 25741868, with internal and published modifications).

NM_018249.6(CDK5RAP2):c.1779A>G (p.Gln593=)

Gene: CDK5RAP2 (CDK5 regulatory subunit associated protein 2; minus strand). Cytogenetic location: 9q33.2.
Variant type: single nucleotide variant.
Coding change: c.1779A>G on transcript NM_018249.6 (MANE Select); coding-DNA position 1779, A replaced by G.
Protein change: p.Gln593=; no amino-acid change (glutamine 593 retained).
Molecular consequence: synonymous variant. On other transcripts: non-coding transcript variant (5).
Genome position (GRCh38, 1-based): chr9:120,471,827, T>C on the plus strand (A>G on the coding strand, the complement: CDK5RAP2 is on the minus strand). VCF-style: chr9-120471827-T-C. GRCh37 (hg19) VCF-style: chr9-123234105-T-C.
Other names: c.1779A>G, p.Gln593= (NM_001011649.3, NM_001272039.2, NM_001410992.1 and 2 more transcripts).
Identifiers: ClinVar variation 3030676 (VCV003030676.2), dbSNP rs541039344, ClinGen allele CA5214274.